The following is an entry in ClinVar:

ClinVar aggregate classification (germline): Uncertain significance. Review status: criteria provided, multiple submitters, no conflicts (2 of 4 stars). 3 submissions from 3 submitters: Uncertain significance (2). 1 of the submissions does not count toward it. Last evaluated 2025-11-05.

Conditions:
Hereditary cancer-predisposing syndrome. Also called: Tumor predisposition; Hereditary Cancer Syndrome; Hereditary neoplastic syndrome; Neoplastic Syndromes, Hereditary. Identifiers: Orphanet 140162, MedGen C0027672, MeSH D009386, MONDO:0015356.
Familial cancer of breast. Also called: BREAST CANCER, FAMILIAL; Hereditary breast cancer; hereditary breast carcinoma. Identifiers: Orphanet 227535, MedGen C0346153, MONDO:0016419, OMIM 114480. Disease mechanism: loss of function.
CHEK2-related disorder.

Submissions (3):

Labcorp Genetics (formerly Invitae), Labcorp
Classification: Uncertain significance for Familial cancer of breast. Last evaluated: 2025-11-05. Review status: criteria provided, single submitter. Criteria: Invitae Variant Classification Sherloc (09022015). Collection method: clinical testing. Allele origin: germline.
Comment: This sequence change replaces valine, which is neutral and non-polar, with isoleucine, which is neutral and non-polar, at codon 395 of the CHEK2 protein (p.Val395Ile). This variant is present in population databases (rs587780170, gnomAD 0.0009%). This variant has not been reported in the literature in individuals affected with CHEK2-related conditions. ClinVar contains an entry for this variant (Variation ID: 410061). An algorithm developed to predict the effect of missense changes on protein structure and function outputs the following: PolyPhen-2: "Benign". The isoleucine amino acid residue is found in multiple mammalian species, which suggests that this missense change does not adversely affect protein function. In summary, the available evidence is currently insufficient to determine the role of this variant in disease. Therefore, it has been classified as a Variant of Uncertain Significance.

Ambry Genetics
Classification: Uncertain significance for Hereditary cancer-predisposing syndrome. Last evaluated: 2024-10-28. Review status: criteria provided, single submitter. Criteria: Ambry Variant Classification Scheme 2023. Collection method: clinical testing. Allele origin: germline.
Comment: The p.V395I variant (also known as c.1183G>A), located in coding exon 10 of the CHEK2 gene, results from a G to A substitution at nucleotide position 1183. The valine at codon 395 is replaced by isoleucine, an amino acid with highly similar properties. This amino acid position is highly conserved in available vertebrate species. In addition, this alteration is predicted to be tolerated by in silico analysis. Based on the available evidence, the clinical significance of this variant remains unclear.

PreventionGenetics, part of Exact Sciences
Classification: Uncertain significance for CHEK2-related condition. Last evaluated: 2024-01-22. Review status: no assertion criteria provided. Collection method: clinical testing. Allele origin: germline. Not counted in ClinVar's aggregate classification.
Comment: The CHEK2 c.1183G>A variant is predicted to result in the amino acid substitution p.Val395Ile. To our knowledge, this variant has not been reported in the literature. This variant is reported in 0.0018% of alleles in individuals of European (Non-Finnish) descent in gnomAD. This variant is reported in ClinVar database as a variant of unknown significance. Alternative variant at this codone p.Val395Leu was previously reported in an individual with colorectal cancer and another individual with ovarian cancer (Yurgelun et al. 2017. PubMed ID: 28135145; Kleiblova et al. 2019. PubMed ID: 31050813, see supplementary table S3). However, a functional analysis of the p.Val395Leu variant protein in a yeast model indicated that this change may be benign (Delimitsou et al. 2019. PubMed ID: 30851065). At this time, the clinical significance of variant p.Val395Ile is uncertain due to the absence of conclusive functional and genetic evidence.

NM_007194.4(CHEK2):c.1183G>A (p.Val395Ile)

Gene: CHEK2 (checkpoint kinase 2; minus strand). Cytogenetic location: 22q12.1.
Variant type: single nucleotide variant.
Coding change: c.1183G>A on transcript NM_007194.4 (MANE Select); coding-DNA position 1183, G replaced by A.
Protein change: p.Val395Ile; replaces valine 395 with isoleucine.
Molecular consequence: missense variant.
Genome position (GRCh38, 1-based): chr22:28,695,786, C>T on the plus strand (G>A on the coding strand, the complement: CHEK2 is on the minus strand). VCF-style: chr22-28695786-C-T. GRCh37 (hg19) VCF-style: chr22-29091774-C-T.
Other names: c.1312G>A, p.Val438Ile (NM_001005735.3); c.520G>A, p.Val174Ile (NM_001257387.3); c.982G>A, p.Val328Ile (NM_001349956.3); c.1096G>A, p.Val366Ile (NM_145862.3); short protein forms V395I, V174I, V328I, V366I, V438I.
Identifiers: ClinVar variation 410061 (VCV000410061.15), dbSNP rs587780170, ClinGen allele CA10167714.